The following is an entry in ClinVar:

ClinVar aggregate classification (germline): Pathogenic (1 of 4 stars; one submission).

Submission:

ISCA site 17
Classification: Pathogenic. Last evaluated: 2011-08-12. Review status: criteria provided, single submitter. Criteria: Kaminsky et al. (Genet Med. 2011). Collection method: clinical testing. Allele origin: de novo. Affected: yes. Observed: 1 variant allele.
Comment: Copy number variation identified through the course of routine clinical cytogenomic testing in postnatal populations. Clinical assertions have been curated as described in Kaminsky et al. 2011.

GRCh38/hg38 15q11.2-13.1(chr15:23537429-28275167)x1

Genes: ATP10A (ATPase phospholipid transporting 10A (putative); minus strand), ATP10A-DT (ATP10A divergent transcript; plus strand), GABRA5 (gamma-aminobutyric acid type A receptor subunit alpha5; plus strand), GABRB3 (gamma-aminobutyric acid type A receptor subunit beta3; minus strand), GABRG3 (gamma-aminobutyric acid type A receptor subunit gamma3; plus strand) and 137 more. Cytogenetic location: 15q11.2-13.1.
Variant type: copy number loss.
Change: copy number 1 (one copy instead of two) of chr15:23,537,429-28,275,167 (4.74 Mb, GRCh38 coordinates, 1-based), cytogenetic band 15q11.2-13.1.
Identifiers: ClinVar variation 58635 (VCV000058635.1).